The following is an entry in ClinVar:

ClinVar aggregate classification (germline): Likely benign (1 of 4 stars; one submission).

Submission:

GeneDx
Classification: Likely benign. Last evaluated: 2018-06-13. Review status: criteria provided, single submitter. Criteria: GeneDx Variant Classification (06012015). Collection method: clinical testing. Allele origin: germline. Affected: yes.
Comment: This variant is considered likely benign or benign based on one or more of the following criteria: it is a conservative change, it occurs at a poorly conserved position in the protein, it is predicted to be benign by multiple in silico algorithms, and/or has population frequency not consistent with disease.

NM_001009999.3(KDM1A):c.2370A>C (p.Ala790=)

Gene: KDM1A (lysine demethylase 1A; plus strand). Cytogenetic location: 1p36.12.
Variant type: single nucleotide variant.
Coding change: c.2370A>C on transcript NM_001009999.3 (MANE Select); coding-DNA position 2370, A replaced by C.
Protein change: p.Ala790=; no amino-acid change (alanine 790 retained).
Molecular consequence: synonymous variant.
Genome position (GRCh38, 1-based): chr1:23,082,291, A>C. VCF-style: chr1-23082291-A-C. GRCh37 (hg19) VCF-style: chr1-23408784-A-C.
Other names: c.2316A>C, p.Ala772= (NM_001363654.2); c.2298A>C, p.Ala766= (NM_015013.4).
Identifiers: ClinVar variation 672345 (VCV000672345.1), dbSNP rs1569834517, ClinGen allele CA416591178.